The following is an entry in ClinVar:

ClinVar aggregate classification (germline): Uncertain significance (1 of 4 stars; one submission).

Submission:

Ambry Genetics
Classification: Uncertain significance. Last evaluated: 2026-09-11. Review status: criteria provided, single submitter. Criteria: Ambry Variant Classification Scheme 2023. Collection method: clinical testing. Allele origin: germline.
Comment: The c.979_983delAAGAT (p.K327Efs*30) alteration, located in exon 1 (coding exon 1) of the IRS4 gene, consists of a deletion of 5 nucleotides from position 979 to 983, causing a translational frameshift with a predicted alternate stop codon after 30 amino acids. This variant is expected to result in premature protein truncation or nonsense-mediated mRNA decay. However, loss of function of IRS4 has not been established as a mechanism of disease. This variant was not reported in population-based cohorts in the Genome Aggregation Database (gnomAD). Based on insufficient or conflicting evidence, the clinical significance of this alteration remains unclear.

NM_001379150.1(IRS4):c.979_983del (p.Lys327fs)

Gene: IRS4 (insulin receptor substrate 4; minus strand). Cytogenetic location: Xq22.3.
Variant type: Deletion.
Coding change: c.979_983del on transcript NM_001379150.1 (MANE Select); coding-DNA positions 979 to 983, 5 bases deleted (AAGAT; older notation c.979_983delAAGAT).
Protein change: p.Lys327fs; shifts the reading frame from lysine 327.
Molecular consequence: frameshift variant.
Genome position (GRCh38, 1-based): chrX:108,735,362-108,735,366, ATCTT deleted on the plus strand (AAGAT on the coding strand, the reverse complement: IRS4 is on the minus strand). VCF-style (leftmost placement, unchanged base first): chrX-108735361-CATCTT-C. GRCh37 (hg19) VCF-style: chrX-107978591-CATCTT-C.
Other names: c.979_983delAAGAT (NM_003604.2); c.979_983del, p.Lys327fs (NM_001440817.1, NM_003604.2); short protein forms K327fs.
Identifiers: ClinVar variation 5022826 (VCV005022826.1).
Genomic context (GRCh38, chrX:108,735,361, plus strand): 5'-GCCGATGCTGATGCTGTAGCTGCGGCAGCGGGCTCTGTATTCGTCTGCACACAAGGCTCT[CATCTT>C]CTCCAAAAACAGCTCATGCATGTTTTGGGCAACCACACAGTCATCGACCTGCATCCAGAG-3'